The following is an entry in ClinVar:

ClinVar aggregate classification (germline): Conflicting classifications of pathogenicity. Review status: criteria provided, conflicting classifications (1 of 4 stars). 5 submissions from 5 submitters: Uncertain significance (4); Likely benign (1). Last evaluated 2025-05-16.

Conditions:
BRCA2-related cancer predisposition. Identifiers: MedGen CN377758, MONDO:0700269.
Hereditary cancer-predisposing syndrome. Also called: Hereditary neoplastic syndrome; Hereditary Cancer Syndrome; Neoplastic Syndromes, Hereditary; Tumor predisposition. Identifiers: Orphanet 140162, MedGen C0027672, MeSH D009386, MONDO:0015356.
Hereditary breast ovarian cancer syndrome. Also called: Hereditary breast and ovarian cancer syndrome; Hereditary breast and ovarian cancer syndrome (HBOC); Breast and ovarian cancer; Hereditary breast and/or ovarian cancer syndrome; Hereditary breast and ovarian cancer; BRCA1- and BRCA2-Associated Hereditary Breast and Ovarian Cancer. Identifiers: Orphanet 145, MedGen C0677776, MeSH D061325, MONDO:0003582. Disease mechanism: loss of function.

Allele frequency attached by ClinVar (database versions not stated): gnomAD exomes below 0.00001.
gnomAD v4.1: 2 of 1,614,024 alleles (0.00012%); highest among the groups gnomAD compares: Non-Finnish European, 0.00017%; no homozygotes.

Submissions (5):

Ambry Genetics
Classification: Likely benign for Hereditary cancer-predisposing syndrome. Last evaluated: 2025-05-16. Review status: criteria provided, single submitter. Criteria: Ambry Variant Classification Scheme 2023. Collection method: clinical testing. Allele origin: germline.

All of Us Research Program, National Institutes of Health
Classification: Uncertain significance for BRCA2-related cancer predisposition. Last evaluated: 2024-04-16. Review status: criteria provided, single submitter. Criteria: ACMG Guidelines, 2015. Collection method: clinical testing. Allele origin: germline. Inheritance: Autosomal dominant inheritance. Observed: 1 variant allele, 1 heterozygote.
Comment: This missense variant replaces glutamic acid with lysine at codon 3111 of the BRCA2 protein. Computational prediction is inconclusive regarding the impact of this variant on protein structure and function (internally defined REVEL score threshold 0.5 < inconclusive < 0.7, PMID: 27666373). To our knowledge, functional studies have not been reported for this variant. This variant has been reported in a multifactorial analysis with co-occurrence and family history likelihood ratios for pathogenicity of 1.0498 and 0.8016, respectively (PMID: 31131967). This variant has not been identified in the general population by the Genome Aggregation Database (gnomAD). The available evidence is insufficient to determine the role of this variant in disease conclusively. Therefore, this variant is classified as a Variant of Uncertain Significance.

This study involves interpretation of variants in research participants for the purpose of population health screening. Participant phenotype was not available at the time of variant classification. Additional details can be found in publication PMID: 35346344, PMCID: PMC8962531

Color Diagnostics, LLC DBA Color Health
Classification: Uncertain significance for Hereditary cancer-predisposing syndrome. Last evaluated: 2023-11-20. Review status: criteria provided, single submitter. Criteria: ACMG Guidelines, 2015. Collection method: clinical testing. Allele origin: germline.
Comment: This missense variant replaces glutamic acid with lysine at codon 3111 of the BRCA2 protein. Computational prediction is inconclusive regarding the impact of this variant on protein structure and function (internally defined REVEL score threshold 0.5 < inconclusive < 0.7, PMID: 27666373). To our knowledge, functional studies have not been reported for this variant. This variant has been reported in a multifactorial analysis with co-occurrence and family history likelihood ratios for pathogenicity of 1.0498 and 0.8016, respectively (PMID: 31131967). This variant has not been identified in the general population by the Genome Aggregation Database (gnomAD). The available evidence is insufficient to determine the role of this variant in disease conclusively. Therefore, this variant is classified as a Variant of Uncertain Significance.

Labcorp Genetics (formerly Invitae), Labcorp
Classification: Uncertain significance for Hereditary breast ovarian cancer syndrome. Last evaluated: 2022-04-13. Review status: criteria provided, single submitter. Criteria: Invitae Variant Classification Sherloc (09022015). Collection method: clinical testing. Allele origin: germline.
Comment: Advanced modeling of protein sequence and biophysical properties (such as structural, functional, and spatial information, amino acid conservation, physicochemical variation, residue mobility, and thermodynamic stability) performed at Invitae indicates that this missense variant is not expected to disrupt BRCA2 protein function. In summary, the available evidence is currently insufficient to determine the role of this variant in disease. Therefore, it has been classified as a Variant of Uncertain Significance. ClinVar contains an entry for this variant (Variation ID: 230121). This variant has not been reported in the literature in individuals affected with BRCA2-related conditions. This variant is not present in population databases (gnomAD no frequency). This sequence change replaces glutamic acid, which is acidic and polar, with lysine, which is basic and polar, at codon 3111 of the BRCA2 protein (p.Glu3111Lys).

Quest Diagnostics Nichols Institute San Juan Capistrano
Classification: Uncertain significance. Last evaluated: 2019-07-19. Review status: criteria provided, single submitter. Criteria: Quest Diagnostics criteria. Collection method: clinical testing. Allele origin: germline.

Literature cited by the submitters: PubMed 31131967 (cited by All of Us Research Program, National Institutes of Health and Color Diagnostics, LLC DBA Color Health); PubMed 28591715 (cited by Quest Diagnostics Nichols Institute San Juan Capistrano).

NM_000059.4(BRCA2):c.9331G>A (p.Glu3111Lys)

Gene: BRCA2 (BRCA2 DNA repair associated; plus strand). Cytogenetic location: 13q13.1.
Variant type: single nucleotide variant.
Coding change: c.9331G>A on transcript NM_000059.4 (MANE Select); coding-DNA position 9331, G replaced by A.
Protein change: p.Glu3111Lys; replaces glutamic acid 3111 with lysine.
Molecular consequence: missense variant.
Genome position (GRCh38, 1-based): chr13:32,394,763, G>A. VCF-style: chr13-32394763-G-A. GRCh37 (hg19) VCF-style: chr13-32968900-G-A.
Other names: short protein forms E3111K.
Identifiers: ClinVar variation 230121 (VCV000230121.21), dbSNP rs397508047, ClinGen allele CA10579825.
Genomic context (GRCh38, chr13:32,394,763, plus strand): 5'-GTCTATTTGTCAGACGAATGTTACAATTTACTGGCAATAAAGTTTTGGATAGACCTTAAT[G>A]AGGACATTATTAAGCCTCATATGTTAATTGCTGCAAGCAACCTCCAGTGGCGACCAGAAT-3'
Protein context (NP_000050.3, residues 3101-3121): LAIKFWIDLN[Glu3111Lys]DIIKPHMLIA